The following is an entry in ClinVar:

NM_001378457.1(DMXL2):c.6692A>G (p.His2231Arg)

Gene: DMXL2 (Dmx like 2; minus strand). Cytogenetic location: 15q21.2.
Variant type: single nucleotide variant.
Coding change: c.6692A>G on transcript NM_001378457.1 (MANE Select); coding-DNA position 6692, A replaced by G.
Protein change: p.His2231Arg; replaces histidine 2231 with arginine.
Molecular consequence: missense variant. On other transcripts: non-coding transcript variant (2).
Genome position (GRCh38, 1-based): chr15:51,480,012, T>C on the plus strand (A>G on the coding strand, the complement: DMXL2 is on the minus strand). VCF-style: chr15-51480012-T-C. GRCh37 (hg19) VCF-style: chr15-51772209-T-C.
Other names: c.6692A>G, p.His2231Arg (NM_001174116.3, NM_001378458.1, NM_001378459.1 and 4 more transcripts); c.4784A>G, p.His1595Arg (NM_001174117.3); c.4673A>G, p.His1558Arg (NM_001378460.1); c.6452A>G, p.His2151Arg (NM_001378464.1); short protein forms H1595R, H2231R, H1558R, H2151R.
Identifiers: ClinVar variation 1393223 (VCV001393223.3), dbSNP rs756919423, ClinGen allele CA7561577.
Genomic context (GRCh38, chr15:51,480,012, plus strand): 5'-ACATCTTCAATACTGGGATGAGGTGGTGTTTTCATCTGAACAATAGTATAAAGTATATCA[T>C]GGATGTGATTATTTAAGTACAATACAGGATTAGCTATGACTGTTTTTGTTGACGCAATAC-3'
Protein context (NP_001365386.1, residues 2221-2241): NPVLYLNNHI[His2231Arg]DILYTIVQMK

ClinVar aggregate classification (germline): Uncertain significance (1 of 4 stars; one submission).

Allele frequency attached by ClinVar (database versions not stated): gnomAD 0.00001; gnomAD exomes 0.00001 and 0.00004; TOPMed 0.00001; ExAC 0.00002.
gnomAD v4.1: 56 of 1,591,912 alleles (0.0035%); highest among the groups gnomAD compares: Non-Finnish European, 0.0048%; no homozygotes.

Submission:

Labcorp Genetics (formerly Invitae), Labcorp
Classification: Uncertain significance. Last evaluated: 2022-06-05. Review status: criteria provided, single submitter. Criteria: Invitae Variant Classification Sherloc (09022015). Collection method: clinical testing. Allele origin: germline.
Comment: This sequence change replaces histidine, which is basic and polar, with arginine, which is basic and polar, at codon 2231 of the DMXL2 protein (p.His2231Arg). This variant is present in population databases (rs756919423, gnomAD 0.003%). This variant has not been reported in the literature in individuals affected with DMXL2-related conditions. ClinVar contains an entry for this variant (Variation ID: 1393223). Algorithms developed to predict the effect of missense changes on protein structure and function (SIFT, PolyPhen-2, Align-GVGD) all suggest that this variant is likely to be tolerated. In summary, the available evidence is currently insufficient to determine the role of this variant in disease. Therefore, it has been classified as a Variant of Uncertain Significance.